The following is an entry in ClinVar:

ClinVar aggregate classification (germline): Uncertain significance. Review status: criteria provided, multiple submitters, no conflicts (2 of 4 stars). 2 submissions from 2 submitters: Uncertain significance (2). Last evaluated 2025-07-01.

Allele frequency attached by ClinVar (database versions not stated): gnomAD 0.00001.
gnomAD v4.1: 1 of 1,612,072 alleles (0.000062%); highest among the groups gnomAD compares: Non-Finnish European, 0.000085%; no homozygotes.

Submissions (2):

Ambry Genetics
Classification: Uncertain significance. Last evaluated: 2025-07-01. Review status: criteria provided, single submitter. Criteria: Ambry Variant Classification Scheme 2023. Collection method: clinical testing. Allele origin: germline.

GeneDx
Classification: Uncertain significance. Last evaluated: 2021-12-03. Review status: criteria provided, single submitter. Criteria: GeneDx Variant Classification Process June 2021. Collection method: clinical testing. Allele origin: germline. Affected: yes.
Comment: Not observed at significant frequency in large population cohorts (gnomAD); In silico analysis supports that this missense variant has a deleterious effect on protein structure/function; Has not been previously published as pathogenic or benign to our knowledge

NM_001378328.1(CELSR1):c.1351G>A (p.Asp451Asn)

Gene: CELSR1 (cadherin EGF LAG seven-pass G-type receptor 1; minus strand). Cytogenetic location: 22q13.31.
Variant type: single nucleotide variant.
Coding change: c.1351G>A on transcript NM_001378328.1 (MANE Select); coding-DNA position 1351, G replaced by A.
Protein change: p.Asp451Asn; replaces aspartic acid 451 with asparagine.
Molecular consequence: missense variant.
Genome position (GRCh38, 1-based): chr22:46,535,820, C>T on the plus strand (G>A on the coding strand, the complement: CELSR1 is on the minus strand). VCF-style: chr22-46535820-C-T. GRCh37 (hg19) VCF-style: chr22-46931717-C-T.
Other names: c.1351G>A, p.Asp451Asn (NM_014246.4); short protein forms D451N.
Identifiers: ClinVar variation 1691199 (VCV001691199.3), dbSNP rs1337120919, ClinGen allele CA411950233.